The following is an entry in ClinVar:

ClinVar aggregate classification (germline): Uncertain significance (1 of 4 stars; one submission).

Conditions:
Hereditary cancer-predisposing syndrome. Also called: Hereditary Cancer Syndrome; Hereditary neoplastic syndrome; Neoplastic Syndromes, Hereditary; Tumor predisposition. Identifiers: Orphanet 140162, MedGen C0027672, MeSH D009386, MONDO:0015356.

Submission:

Ambry Genetics
Classification: Uncertain significance for Hereditary cancer-predisposing syndrome. Last evaluated: 2021-10-15. Review status: criteria provided, single submitter. Criteria: Ambry Variant Classification Scheme 2023. Collection method: clinical testing. Allele origin: germline.
Comment: The p.Q433R variant (also known as c.1298A>G), located in coding exon 11 of the CHEK2 gene, results from an A to G substitution at nucleotide position 1298. The glutamine at codon 433 is replaced by arginine, an amino acid with highly similar properties. This amino acid position is not well conserved in available vertebrate species. In addition, this alteration is predicted to be tolerated by in silico analysis. Since supporting evidence is limited at this time, the clinical significance of this alteration remains unclear.

NM_007194.4(CHEK2):c.1298A>G (p.Gln433Arg)

Gene: CHEK2 (checkpoint kinase 2; minus strand). Cytogenetic location: 22q12.1.
Variant type: single nucleotide variant.
Coding change: c.1298A>G on transcript NM_007194.4 (MANE Select); coding-DNA position 1298, A replaced by G.
Protein change: p.Gln433Arg; replaces glutamine 433 with arginine.
Molecular consequence: missense variant.
Genome position (GRCh38, 1-based): chr22:28,695,204, T>C on the plus strand (A>G on the coding strand, the complement: CHEK2 is on the minus strand). VCF-style: chr22-28695204-T-C. GRCh37 (hg19) VCF-style: chr22-29091192-T-C.
Other names: c.1427A>G, p.Gln476Arg (NM_001005735.3); c.635A>G, p.Gln212Arg (NM_001257387.3); c.1097A>G, p.Gln366Arg (NM_001349956.3); c.1211A>G, p.Gln404Arg (NM_145862.3); short protein forms Q212R, Q366R, Q433R, Q404R, Q476R.
Identifiers: ClinVar variation 1769261 (VCV001769261.2), dbSNP rs2145794988, ClinGen allele CA411096103.